The following is an entry in ClinVar:

ClinVar aggregate classification (germline): Uncertain significance. Review status: criteria provided, multiple submitters, no conflicts (2 of 4 stars). 2 submissions from 2 submitters: Uncertain significance (2). Last evaluated 2023-08-14.

Allele frequency attached by ClinVar (database versions not stated): ESP Exome Variant Server 0.00008; ExAC 0.00001; TOPMed 0.00002; gnomAD exomes 0.00004.
gnomAD v4.1: 37 of 1,614,100 alleles (0.0023%); highest among the groups gnomAD compares: Non-Finnish European, 0.00034%; no homozygotes.

Submissions (2):

Labcorp Genetics (formerly Invitae), Labcorp
Classification: Uncertain significance. Last evaluated: 2023-08-14. Review status: criteria provided, single submitter. Criteria: Invitae Variant Classification Sherloc (09022015). Collection method: clinical testing. Allele origin: germline.
Comment: This sequence change replaces asparagine, which is neutral and polar, with lysine, which is basic and polar, at codon 2863 of the ANK3 protein (p.Asn2863Lys). This variant is present in population databases (rs149138713, gnomAD 0.06%). This variant has not been reported in the literature in individuals affected with ANK3-related conditions. ClinVar contains an entry for this variant (Variation ID: 1351936). Advanced modeling of protein sequence and biophysical properties (such as structural, functional, and spatial information, amino acid conservation, physicochemical variation, residue mobility, and thermodynamic stability) performed at Invitae indicates that this missense variant is not expected to disrupt ANK3 protein function. In summary, the available evidence is currently insufficient to determine the role of this variant in disease. Therefore, it has been classified as a Variant of Uncertain Significance.

CeGaT Center for Human Genetics Tuebingen
Classification: Uncertain significance. Last evaluated: 2023-08-01. Review status: criteria provided, single submitter. Criteria: CeGaT Center For Human Genetics Tuebingen Variant Classification Criteria Version 2. Collection method: clinical testing. Allele origin: germline. Affected: yes. Observed: 1 variant allele.
Comment: ANK3: PM2

NM_020987.5(ANK3):c.8589T>G (p.Asn2863Lys)

Gene: ANK3 (ankyrin 3; minus strand). Cytogenetic location: 10q21.2.
Variant type: single nucleotide variant.
Coding change: c.8589T>G on transcript NM_020987.5 (MANE Select); coding-DNA position 8589, T replaced by G.
Protein change: p.Asn2863Lys; replaces asparagine 2863 with lysine.
Molecular consequence: missense variant. On other transcripts: intron variant (4).
Genome position (GRCh38, 1-based): chr10:60,072,292, A>C on the plus strand (T>G on the coding strand, the complement: ANK3 is on the minus strand). VCF-style: chr10-60072292-A-C. GRCh37 (hg19) VCF-style: chr10-61832050-A-C.
Other names: c.4388-4283T>G (NM_001204403.2); c.4409-4283T>G (NM_001204404.2); c.4406-4283T>G (NM_001320874.2); c.1808-4283T>G (NM_001149.4); short protein forms N2863K.
Identifiers: ClinVar variation 1351936 (VCV001351936.29), dbSNP rs149138713, ClinGen allele CA5511524.